The following is an entry in ClinVar:

NM_000052.7(ATP7A):c.1327A>G (p.Thr443Ala)

Gene: ATP7A (ATPase copper transporting alpha; plus strand). Cytogenetic location: Xq21.1.
Variant type: single nucleotide variant.
Coding change: c.1327A>G on transcript NM_000052.7 (MANE Select); coding-DNA position 1327, A replaced by G.
Protein change: p.Thr443Ala; replaces threonine 443 with alanine.
Molecular consequence: missense variant.
Genome position (GRCh38, 1-based): chrX:77,989,949, A>G. VCF-style: chrX-77989949-A-G. GRCh37 (hg19) VCF-style: chrX-77245445-A-G.
Other names: p.Thr443Ala; c.1327A>G, p.Thr443Ala (NM_001282224.2); c.1327A>G (NM_000052.4); short protein forms T443A.
Identifiers: ClinVar variation 863459 (VCV000863459.12), dbSNP rs1227094533, ClinGen allele CA413602303.

ClinVar aggregate classification (germline): Conflicting classifications of pathogenicity. Review status: criteria provided, conflicting classifications (1 of 4 stars). 5 submissions from 5 submitters: Uncertain significance (2); Likely benign (2). 1 of the submissions does not count toward it. Last evaluated 2025-09-28.

Conditions:
Menkes kinky-hair syndrome (MNK). Also called: Copper transport disease; Classic Menkes Disease; Menkes Disease. Identifiers: Orphanet 565, MedGen C0022716, MONDO:0010651, OMIM 309400.
Cutis laxa, X-linked (OHS). Also called: EDS IX; Occipital horn syndrome. Identifiers: Orphanet 198, MedGen C0268353, MONDO:0010572, OMIM 304150.
X-linked distal spinal muscular atrophy type 3. Also called: SPINAL MUSCULAR ATROPHY, DISTAL, X-LINKED RECESSIVE; NEURONOPATHY, DISTAL HEREDITARY MOTOR, X-LINKED; NEUROPATHY, DISTAL HEREDITARY MOTOR, X-LINKED; ATP7A-Related Distal Motor Neuropathy. Identifiers: Orphanet 139557, MedGen C1845359, MONDO:0010338, OMIM 300489.
Inborn genetic diseases. Identifiers: MedGen C0950123, MeSH D030342.

Allele frequency attached by ClinVar (database versions not stated): gnomAD exomes below 0.00001 and 0.00001; gnomAD 0.00001; TOPMed 0.00002.
gnomAD v4.1: 2 of 1,209,759 alleles (0.00017%); highest among the groups gnomAD compares: Non-Finnish European, 0.00022%; no homozygotes.

Submissions (5):

Labcorp Genetics (formerly Invitae), Labcorp
Classification: Likely benign for X-linked distal spinal muscular atrophy type 3; Cutis laxa, X-linked; Menkes kinky-hair syndrome. Last evaluated: 2025-09-28. Review status: criteria provided, single submitter. Criteria: Invitae Variant Classification Sherloc (09022015). Collection method: clinical testing. Allele origin: germline.

Mayo Clinic Laboratories, Mayo Clinic
Classification: Likely benign. Last evaluated: 2025-08-15. Review status: criteria provided, single submitter. Criteria: ACMG Guidelines, 2015. Collection method: clinical testing. Allele origin: germline. Observed: 1 variant allele.
Comment: BS2, BP4_moderate, PM2_supporting

GeneDx
Classification: Uncertain significance. Last evaluated: 2024-06-07. Review status: criteria provided, single submitter. Criteria: GeneDx Variant Classification Process June 2021. Collection method: clinical testing. Allele origin: germline. Affected: yes.
Comment: Has not been previously published as pathogenic or benign to our knowledge; Not observed at significant frequency in large population cohorts (gnomAD); In silico analysis indicates that this missense variant does not alter protein structure/function

Ambry Genetics
Classification: Uncertain significance for Inborn genetic diseases. Last evaluated: 2019-12-28. Review status: criteria provided, single submitter. Criteria: Ambry Variant Classification Scheme 2023. Collection method: clinical testing. Allele origin: germline.
Comment: The p.T443A variant (also known as c.1327A>G), located in coding exon 3 of the ATP7A gene, results from an A to G substitution at nucleotide position 1327. The threonine at codon 443 is replaced by alanine, an amino acid with similar properties. This amino acid position is poorly conserved in available vertebrate species. In addition, this alteration is predicted to be tolerated by in silico analysis. Since supporting evidence is limited at this time, the clinical significance of this alteration remains unclear.

Natera, Inc.
Classification: Uncertain significance for Menkes kinky hair syndrome. Last evaluated: 2021-05-10. Review status: no assertion criteria provided. Collection method: clinical testing. Allele origin: germline. Not counted in ClinVar's aggregate classification.